The following is an entry in ClinVar:

NM_001009944.3(PKD1):c.9182A>G (p.His3061Arg)

Gene: PKD1 (polycystin 1, transient receptor potential channel interacting; minus strand). Cytogenetic location: 16p13.3.
Variant type: single nucleotide variant.
Coding change: c.9182A>G on transcript NM_001009944.3 (MANE Select); coding-DNA position 9182, A replaced by G.
Protein change: p.His3061Arg; replaces histidine 3061 with arginine.
Molecular consequence: missense variant.
Genome position (GRCh38, 1-based): chr16:2,102,400, T>C on the plus strand (A>G on the coding strand, the complement: PKD1 is on the minus strand). VCF-style: chr16-2102400-T-C. GRCh37 (hg19) VCF-style: chr16-2152401-T-C.
Other names: c.9182A>G, p.His3061Arg (NM_000296.4); short protein forms H3061R.
Identifiers: ClinVar variation 3579118 (VCV003579118.3).

ClinVar aggregate classification (germline): Uncertain significance. Review status: criteria provided, multiple submitters, no conflicts (2 of 4 stars). 2 submissions from 2 submitters: Uncertain significance (2). Last evaluated 2024-05-23.

Conditions:
Polycystic kidney disease, adult type (PKD1). Also called: Polycystic Kidney Disease 1, Autosomal Dominant; Polycystic kidney disease 1; Polycystic kidney disease 1, severe; POLYCYSTIC KIDNEY DISEASE 1 WITH OR WITHOUT POLYCYSTIC LIVER DISEASE; POLYCYSTIC KIDNEY DISEASE, ADULT, TYPE I; Polycystic Kidney, Autosomal Dominant. Identifiers: MedGen C3149841, MONDO:0008263, OMIM 173900.

gnomAD v4.1: 12 of 1,558,622 alleles (0.00077%); highest among the groups gnomAD compares: African/African-American, 0.0068%; no homozygotes.

Submissions (2):

Genetic Services Laboratory, University of Chicago
Classification: Uncertain significance. Last evaluated: 2024-05-23. Review status: criteria provided, single submitter. Criteria: ACMG Guidelines, 2015. Collection method: clinical testing. Allele origin: germline. Affected: no.
Comment: DNA sequence analysis of the PKD1 gene demonstrated a sequence change, c.9182A>G, in exon 25 that results in an amino acid change, p.His3061Arg. This sequence change does not appear to have been previously described in individuals with PKD1-related disorders. This sequence change has been described in the gnomAD database with a frequency of 0.0008% in the overall population (dbSNP rs1012098795). The p.His3061Arg change affects a poorly conserved amino acid residue located in a domain of the PKD1 protein that is known to be functional. The p.His3061Arg substitution appears to be benign using several in-silico pathogenicity prediction tools (SIFT, PolyPhen2, Align GVGD, REVEL). Due to insufficient evidences and the lack of functional studies, the clinical significance of the p.His3061Arg change remains unknown at this time.

Fulgent Genetics
Classification: Uncertain significance for Polycystic kidney disease, adult type. Last evaluated: 2023-12-27. Review status: criteria provided, single submitter. Criteria: ACMG Guidelines, 2015. Collection method: clinical testing. Allele origin: germline.